The following is an entry in ClinVar:

NM_000138.5(FBN1):c.1273A>G (p.Ile425Val)

Gene: FBN1 (fibrillin 1; minus strand). Cytogenetic location: 15q21.1.
Variant type: single nucleotide variant.
Coding change: c.1273A>G on transcript NM_000138.5 (MANE Select); coding-DNA position 1273, A replaced by G.
Protein change: p.Ile425Val; replaces isoleucine 425 with valine.
Molecular consequence: missense variant.
Genome position (GRCh38, 1-based): chr15:48,516,237, T>C on the plus strand (A>G on the coding strand, the complement: FBN1 is on the minus strand). VCF-style: chr15-48516237-T-C. GRCh37 (hg19) VCF-style: chr15-48808434-T-C.
Other names: c.1273A>G, p.Ile425Val (NM_001406716.1); short protein forms I425V.
Identifiers: ClinVar variation 1948483 (VCV001948483.5), dbSNP rs2505619502, ClinGen allele CA392345486.
Genomic context (GRCh38, chr15:48,516,237, plus strand): 5'-TCTTACTTGGTGGCTCCCGAGATGGATACAGATATTCCACTGGTGGTCGAGGGACCGGAA[T>C]TTGAGGTCCAGGAGGAAAGCCAGGAGGAACAGGGAGAACTGGAGGAATGGGGCCAAGGGG-3'
Protein context (NP_000129.3, residues 415-435): VPPGFPPGPQ[Ile425Val]PVPRPPVEYL

ClinVar aggregate classification (germline): Uncertain significance (1 of 4 stars; one submission).

Conditions:
Familial thoracic aortic aneurysm and aortic dissection (TAAD). Also called: Thoracic aortic aneurysms and dissections. Identifiers: Orphanet 91387, MedGen C4707243, MONDO:0019625.
Marfan syndrome (MFS). Also called: MARFAN SYNDROME, TYPE I; Marfan syndrome type 1; Marfan's syndrome; Marfan syndrome, classic; FBN1-Related Marfan Syndrome. Identifiers: Orphanet 284963, Orphanet 558, MedGen C0024796, MONDO:0007947, OMIM 154700.

Submission:

Labcorp Genetics (formerly Invitae), Labcorp
Classification: Uncertain significance for Marfan syndrome; Familial thoracic aortic aneurysm and aortic dissection. Last evaluated: 2022-07-24. Review status: criteria provided, single submitter. Criteria: Invitae Variant Classification Sherloc (09022015). Collection method: clinical testing. Allele origin: germline.
Comment: This variant is not present in population databases (gnomAD no frequency). In summary, the available evidence is currently insufficient to determine the role of this variant in disease. Therefore, it has been classified as a Variant of Uncertain Significance. Advanced modeling of protein sequence and biophysical properties (such as structural, functional, and spatial information, amino acid conservation, physicochemical variation, residue mobility, and thermodynamic stability) performed at Invitae indicates that this missense variant is not expected to disrupt FBN1 protein function. This variant has not been reported in the literature in individuals affected with FBN1-related conditions. This sequence change replaces isoleucine, which is neutral and non-polar, with valine, which is neutral and non-polar, at codon 425 of the FBN1 protein (p.Ile425Val).